The following is an entry in ClinVar:

ClinVar aggregate classification (germline): Uncertain significance (1 of 4 stars; one submission).

Allele frequency attached by ClinVar (database versions not stated): gnomAD exomes below 0.00001; TOPMed below 0.00001.
gnomAD v4.1: 2 of 1,614,184 alleles (0.00012%); highest among the groups gnomAD compares: African/African-American, 0.0013%; no homozygotes.

Submission:

GeneDx
Classification: Uncertain significance. Last evaluated: 2019-11-02. Review status: criteria provided, single submitter. Criteria: GeneDx Variant Classification Process June 2021. Collection method: clinical testing. Allele origin: germline. Affected: yes.
Comment: In silico analysis, which includes protein predictors and evolutionary conservation, supports that this variant does not alter protein structure/function; Has not been previously published as pathogenic or benign to our knowledge

NM_032436.4(CHAMP1):c.108C>G (p.Ile36Met)

Gene: CHAMP1 (chromosome alignment maintaining phosphoprotein 1; plus strand). Cytogenetic location: 13q34.
Variant type: single nucleotide variant.
Coding change: c.108C>G on transcript NM_032436.4 (MANE Select); coding-DNA position 108, C replaced by G.
Protein change: p.Ile36Met; replaces isoleucine 36 with methionine.
Molecular consequence: missense variant.
Genome position (GRCh38, 1-based): chr13:114,323,950, C>G. VCF-style: chr13-114323950-C-G. GRCh37 (hg19) VCF-style: chr13-115089425-C-G.
Other names: c.108C>G, p.Ile36Met (NM_001164144.3, NM_001164145.3); short protein forms I36M.
Identifiers: ClinVar variation 1309612 (VCV001309612.2), dbSNP rs1405856923, ClinGen allele CA388845033.
Genomic context (GRCh38, chr13:114,323,950, plus strand): 5'-TGACCATTGCAGTTTCAGAGGCACAGACTATGAAAATGTACAAATCCATATGGGTACCAT[C>G]CATCCAGAATTTTGTGATGAAATGGATGCTGGTGGGCTAGGCAAAATGATATTTTACCAG-3'
Protein context (NP_115812.1, residues 26-46): YENVQIHMGT[Ile36Met]HPEFCDEMDA